The following is an entry in ClinVar:

ClinVar aggregate classification (germline): Conflicting classifications of pathogenicity. Review status: criteria provided, conflicting classifications (1 of 4 stars). 5 submissions from 5 submitters: Uncertain significance (4); Likely benign (1). Last evaluated 2025-10-23.

Conditions:
Inborn genetic diseases. Identifiers: MedGen C0950123, MeSH D030342.
Upshaw-Schulman syndrome (TTP). Also called: THROMBOTIC THROMBOCYTOPENIC PURPURA, HEREDITARY; Congenital thrombotic thrombocytopenic purpura. Identifiers: Orphanet 93583, MedGen C1268935, MONDO:0010122, OMIM 274150.

Allele frequency attached by ClinVar (database versions not stated): gnomAD exomes 0.00003 and 0.00010; ExAC 0.00012; 1000 Genomes Project 30x 0.00016; 1000 Genomes Project 0.00020; gnomAD 0.00033 and 0.00035; ESP Exome Variant Server 0.00038; TOPMed 0.00040.
gnomAD v4.1: 93 of 1,613,642 alleles (0.0058%); highest among the groups gnomAD compares: African/African-American, 0.093%; no homozygotes.

Submissions (5):

Labcorp Genetics (formerly Invitae), Labcorp
Classification: Likely benign. Last evaluated: 2025-10-23. Review status: criteria provided, single submitter. Criteria: Invitae Variant Classification Sherloc (09022015). Collection method: clinical testing. Allele origin: germline.

Ambry Genetics
Classification: Uncertain significance for Inborn genetic diseases. Last evaluated: 2024-01-23. Review status: criteria provided, single submitter. Criteria: Ambry Variant Classification Scheme 2023. Collection method: clinical testing. Allele origin: germline.

Mayo Clinic Laboratories, Mayo Clinic
Classification: Uncertain significance. Last evaluated: 2023-02-09. Review status: criteria provided, single submitter. Criteria: ACMG Guidelines, 2015. Collection method: clinical testing. Allele origin: germline. Observed: 2 variant alleles.
Comment: BS1, BP4, PM5

Fulgent Genetics
Classification: Uncertain significance for Upshaw-Schulman syndrome. Last evaluated: 2022-04-04. Review status: criteria provided, single submitter. Criteria: ACMG Guidelines, 2015. Collection method: clinical testing. Allele origin: unknown.

Baylor Genetics
Classification: Uncertain significance for Upshaw-Schulman syndrome. Last evaluated: 2018-04-09. Review status: criteria provided, single submitter. Criteria: ACMG Guidelines, 2015. Collection method: clinical testing. Allele origin: maternal. Affected: yes.
Comment: This variant was determined to be of uncertain significance according to ACMG Guidelines, 2015 [PMID:25741868].

Literature cited by the submitters: PubMed 22529288 (cited by Mayo Clinic Laboratories, Mayo Clinic); PubMed 24115559 (cited by Mayo Clinic Laboratories, Mayo Clinic); PubMed 30762934 (cited by Mayo Clinic Laboratories, Mayo Clinic).

NM_139027.6(ADAMTS13):c.427A>G (p.Ile143Val)

Gene: ADAMTS13 (ADAM metallopeptidase with thrombospondin type 1 motif 13; plus strand). Cytogenetic location: 9q34.2.
Variant type: single nucleotide variant.
Coding change: c.427A>G on transcript NM_139027.6 (MANE Select); coding-DNA position 427, A replaced by G.
Protein change: p.Ile143Val; replaces isoleucine 143 with valine.
Molecular consequence: missense variant. On other transcripts: non-coding transcript variant (1).
Genome position (GRCh38, 1-based): chr9:133,425,950, A>G. VCF-style: chr9-133425950-A-G. GRCh37 (hg19) VCF-style: chr9-136291070-A-G.
Other names: c.427A>G, p.Ile143Val (NM_139025.5, NM_139026.6); short protein forms I143V.
Identifiers: ClinVar variation 1031635 (VCV001031635.13), dbSNP rs145175796, ClinGen allele CA200921838.